The following is an entry in ClinVar:

NM_000334.4(SCN4A):c.142G>A (p.Glu48Lys)

Gene: SCN4A (sodium voltage-gated channel alpha subunit 4; minus strand). Cytogenetic location: 17q23.3.
Variant type: single nucleotide variant.
Coding change: c.142G>A on transcript NM_000334.4 (MANE Select); coding-DNA position 142, G replaced by A.
Protein change: p.Glu48Lys; replaces glutamic acid 48 with lysine.
Molecular consequence: missense variant.
Genome position (GRCh38, 1-based): chr17:63,972,700, C>T on the plus strand (G>A on the coding strand, the complement: SCN4A is on the minus strand). VCF-style: chr17-63972700-C-T. GRCh37 (hg19) VCF-style: chr17-62050060-C-T.
Other names: short protein forms E48K.
Identifiers: ClinVar variation 4746996 (VCV004746996.1).

ClinVar aggregate classification (germline): Uncertain significance (1 of 4 stars; one submission).

Conditions:
Hyperkalemic periodic paralysis. Also called: Familial hyperkalemic periodic paralysis; Gamstorp disease. Identifiers: Orphanet 682, MedGen C0238357, MONDO:0008224, OMIM 170500, HP:0007215.

Submission:

Labcorp Genetics (formerly Invitae), Labcorp
Classification: Uncertain significance for Hyperkalemic periodic paralysis. Last evaluated: 2025-03-01. Review status: criteria provided, single submitter. Criteria: Invitae Variant Classification Sherloc (09022015). Collection method: clinical testing. Allele origin: germline.
Comment: This sequence change replaces glutamic acid, which is acidic and polar, with lysine, which is basic and polar, at codon 48 of the SCN4A protein (p.Glu48Lys). This variant is not present in population databases (gnomAD no frequency). This variant has not been reported in the literature in individuals affected with SCN4A-related conditions. Invitae Evidence Modeling of protein sequence and biophysical properties (such as structural, functional, and spatial information, amino acid conservation, physicochemical variation, residue mobility, and thermodynamic stability) indicates that this missense variant is not expected to disrupt SCN4A protein function with a negative predictive value of 95%. In summary, the available evidence is currently insufficient to determine the role of this variant in disease. Therefore, it has been classified as a Variant of Uncertain Significance.